The following is an entry in ClinVar:

NM_015215.4(CAMTA1):c.606C>A (p.Asp202Glu)

Gene: CAMTA1 (calmodulin binding transcription activator 1; plus strand). Cytogenetic location: 1p36.23.
Variant type: single nucleotide variant.
Coding change: c.606C>A on transcript NM_015215.4 (MANE Select); coding-DNA position 606, C replaced by A.
Protein change: p.Asp202Glu; replaces aspartic acid 202 with glutamic acid.
Molecular consequence: missense variant.
Genome position (GRCh38, 1-based): chr1:7,640,495, C>A. VCF-style: chr1-7640495-C-A. GRCh37 (hg19) VCF-style: chr1-7700555-C-A.
Other names: c.516C>A, p.Asp172Glu (NM_001349608.2, NM_001349612.2); c.606C>A, p.Asp202Glu (NM_001349609.2, NM_001349610.2, NM_001410737.1); c.534C>A, p.Asp178Glu (NM_001410738.1); short protein forms D172E, D178E, D202E.
Identifiers: ClinVar variation 1708661 (VCV001708661.2), dbSNP rs2523094102, ClinGen allele CA338112822.

ClinVar aggregate classification (germline): Uncertain significance (1 of 4 stars; one submission).

gnomAD v4.1: 1 of 1,614,222 alleles (0.000062%); highest among the groups gnomAD compares: Non-Finnish European, 0.000085%; no homozygotes.

Submission:

GeneDx
Classification: Uncertain significance. Last evaluated: 2022-04-08. Review status: criteria provided, single submitter. Criteria: GeneDx Variant Classification Process June 2021. Collection method: clinical testing. Allele origin: germline. Affected: yes.
Comment: Not observed at significant frequency in large population cohorts (gnomAD); In silico analysis supports that this missense variant has a deleterious effect on protein structure/function; Has not been previously published as pathogenic or benign to our knowledge